The following is an entry in ClinVar:

NM_001177316.2(SLC34A3):c.1198G>C (p.Val400Leu)

Gene: SLC34A3 (solute carrier family 34 member 3; plus strand). Cytogenetic location: 9q34.3.
Variant type: single nucleotide variant.
Coding change: c.1198G>C on transcript NM_001177316.2 (MANE Select); coding-DNA position 1198, G replaced by C.
Protein change: p.Val400Leu; replaces valine 400 with leucine.
Molecular consequence: missense variant.
Genome position (GRCh38, 1-based): chr9:137,234,520, G>C. VCF-style: chr9-137234520-G-C. GRCh37 (hg19) VCF-style: chr9-140128972-G-C.
Other names: c.1198G>C, p.Val400Leu (NM_001177317.2, NM_080877.3); c.1198G>C (NM_080877.2); short protein forms V400L.
Identifiers: ClinVar variation 597859 (VCV000597859.10), dbSNP rs748862410, ClinGen allele CA5364836.

ClinVar aggregate classification (germline): Uncertain significance. Review status: criteria provided, multiple submitters, no conflicts (2 of 4 stars). 3 submissions from 3 submitters: Uncertain significance (3). Last evaluated 2024-07-29.

Conditions:
Autosomal recessive hypophosphatemic bone disease (HHRH). Also called: HYPERCALCIURIC RICKETS; Hypophosphatemic rickets with hypercalciuria. Identifiers: Orphanet 157215, MedGen C1853271, MONDO:0009431, OMIM 241530.

Allele frequency attached by ClinVar (database versions not stated): ExAC 0.00002; gnomAD 0.00003 and 0.00004; TOPMed 0.00003.
gnomAD v4.1: 73 of 1,605,332 alleles (0.0045%); highest among the groups gnomAD compares: Non-Finnish European, 0.0059%; no homozygotes.

Submissions (3):

Labcorp Genetics (formerly Invitae), Labcorp
Classification: Uncertain significance. Last evaluated: 2024-07-29. Review status: criteria provided, single submitter. Criteria: Invitae Variant Classification Sherloc (09022015). Collection method: clinical testing. Allele origin: germline.
Comment: This sequence change replaces valine, which is neutral and non-polar, with leucine, which is neutral and non-polar, at codon 400 of the SLC34A3 protein (p.Val400Leu). This variant is present in population databases (rs748862410, gnomAD 0.005%). This missense change has been observed in individual(s) with clinical features of SLC34A3-related conditions (PMID: 34721296). ClinVar contains an entry for this variant (Variation ID: 597859). Advanced modeling of protein sequence and biophysical properties (such as structural, functional, and spatial information, amino acid conservation, physicochemical variation, residue mobility, and thermodynamic stability) performed at Invitae indicates that this missense variant is not expected to disrupt SLC34A3 protein function with a negative predictive value of 80%. In summary, the available evidence is currently insufficient to determine the role of this variant in disease. Therefore, it has been classified as a Variant of Uncertain Significance.

Fulgent Genetics
Classification: Uncertain significance for Autosomal recessive hypophosphatemic bone disease. Last evaluated: 2024-02-19. Review status: criteria provided, single submitter. Criteria: ACMG Guidelines, 2015. Collection method: clinical testing. Allele origin: germline.

Eurofins Ntd Llc (ga)
Classification: Uncertain significance. Last evaluated: 2018-06-27. Review status: criteria provided, single submitter. Criteria: EGL ClinVar v180209 classification definitions. Collection method: clinical testing. Allele origin: germline. Observed: 1 variant allele, 1 heterozygote.

Literature cited by the submitters: PubMed 34721296 (cited by Labcorp Genetics (formerly Invitae), Labcorp).